The following is an entry in ClinVar:

NM_001381902.1(SAGE1):c.2414T>C (p.Leu805Ser)

Gene: SAGE1 (sarcoma antigen 1; plus strand). Cytogenetic location: Xq26.3.
Variant type: single nucleotide variant.
Coding change: c.2414T>C on transcript NM_001381902.1 (MANE Select); coding-DNA position 2414, T replaced by C.
Protein change: p.Leu805Ser; replaces leucine 805 with serine.
Molecular consequence: missense variant.
Genome position (GRCh38, 1-based): chrX:135,911,846, T>C. VCF-style: chrX-135911846-T-C. GRCh37 (hg19) VCF-style: chrX-134994005-T-C.
Other names: c.2414T>C, p.Leu805Ser (NM_018666.3); short protein forms L805S.
Identifiers: ClinVar variation 3055797 (VCV003055797.2), dbSNP rs4829799, ClinGen allele CA10524396.

ClinVar aggregate classification (germline): Benign (0 of 4 stars; one submission).

Conditions:
SAGE1-related disorder. Also called: SAGE1-related condition.

Allele frequency attached by ClinVar (database versions not stated): 1000 Genomes Project 0.16185; 1000 Genomes Project 30x 0.16337; TOPMed 0.21131; gnomAD 0.21378; ESP Exome Variant Server 0.21869; ExAC 0.22239; gnomAD exomes 0.25290.

Submission:

PreventionGenetics, part of Exact Sciences
Classification: Benign for SAGE1-related condition. Last evaluated: 2019-10-23. Review status: no assertion criteria provided. Collection method: clinical testing. Allele origin: germline.
Comment: This variant is classified as benign based on ACMG/AMP sequence variant interpretation guidelines (Richards et al. 2015 PMID: 25741868, with internal and published modifications).